The following is an entry in ClinVar:

ClinVar aggregate classification (germline): Conflicting classifications of pathogenicity. Review status: criteria provided, conflicting classifications (1 of 4 stars). 3 submissions from 3 submitters: Uncertain significance (2); Likely benign (1). Last evaluated 2025-06-25.

Conditions:
Arrhythmogenic cardiomyopathy with wooly hair and keratoderma. Also called: Carvajal syndrome; Arrhythmogenic cardiomyopathy with woolly hair and keratoderma; PALMOPLANTAR KERATODERMA WITH LEFT VENTRICULAR CARDIOMYOPATHY AND WOOLLY HAIR; Dilated cardiomyopathy with woolly hair and keratoderma. Identifiers: Orphanet 65282, MedGen C1854063, MONDO:0011581, OMIM 605676.
Arrhythmogenic right ventricular dysplasia 8 (ARVD8). Also called: Arrhythmogenic Right Ventricular Dysplasia/Cardiomyopathy 8; ARRHYTHMOGENIC RIGHT VENTRICULAR DYSPLASIA, FAMILIAL, 8; ARRHYTHMOGENIC RIGHT VENTRICULAR CARDIOMYOPATHY 8. Identifiers: MedGen C1843896, MONDO:0011831, OMIM 607450.
Cardiomyopathy (CMYO). Also called: Cardiomyopathies. Identifiers: Orphanet 167848, MedGen C0878544, MONDO:0004994, HP:0001638. Inheritance: Various modes of inheritance.

Allele frequency attached by ClinVar (database versions not stated): gnomAD exomes 0.00001; TOPMed 0.00001.
gnomAD v4.1: 13 of 1,614,024 alleles (0.00081%); highest among the groups gnomAD compares: Admixed American, 0.0033%; no homozygotes.

Submissions (3):

Labcorp Genetics (formerly Invitae), Labcorp
Classification: Likely benign for Arrhythmogenic cardiomyopathy with wooly hair and keratoderma; Arrhythmogenic right ventricular dysplasia 8. Last evaluated: 2025-06-25. Review status: criteria provided, single submitter. Criteria: Invitae Variant Classification Sherloc (09022015). Collection method: clinical testing. Allele origin: germline.

Blueprint Genetics
Classification: Uncertain significance. Last evaluated: 2024-02-07. Review status: criteria provided, single submitter. Criteria: ACMG Guidelines, 2015. Collection method: clinical testing. Allele origin: germline.

Color Diagnostics, LLC DBA Color Health
Classification: Uncertain significance for Cardiomyopathy. Last evaluated: 2023-06-20. Review status: criteria provided, single submitter. Criteria: ACMG Guidelines, 2015. Collection method: clinical testing. Allele origin: germline.
Comment: This missense variant replaces arginine with tryptophan at codon 1392 of the DSP protein. Computational prediction is inconclusive regarding the impact of this variant on protein structure and function (internally defined REVEL score threshold 0.5 < inconclusive < 0.7, PMID: 27666373). To our knowledge, functional studies have not been reported for this variant. This variant has not been reported in individuals affected with DSP-related disorders in the literature. This variant has been identified in 2/251294 chromosomes in the general population by the Genome Aggregation Database (gnomAD). The available evidence is insufficient to determine the role of this variant in disease conclusively. Therefore, this variant is classified as a Variant of Uncertain Significance.

NM_004415.4(DSP):c.4174C>T (p.Arg1392Trp)

Gene: DSP (desmoplakin; plus strand). Cytogenetic location: 6p24.3.
Variant type: single nucleotide variant.
Coding change: c.4174C>T on transcript NM_004415.4 (MANE Select); coding-DNA position 4174, C replaced by T.
Protein change: p.Arg1392Trp; replaces arginine 1392 with tryptophan.
Molecular consequence: missense variant. On other transcripts: intron variant (2).
Genome position (GRCh38, 1-based): chr6:7,580,364, C>T. VCF-style: chr6-7580364-C-T. GRCh37 (hg19) VCF-style: chr6-7580597-C-T.
Other names: c.4050+124C>T (NM_001319034.2); c.3582+592C>T (NM_001008844.3); short protein forms R1392W.
Identifiers: ClinVar variation 1394029 (VCV001394029.11), dbSNP rs987487921, ClinGen allele CA133969348.